The following is an entry in ClinVar:

ClinVar aggregate classification (germline): Uncertain significance (1 of 4 stars; one submission).

Submission:

Labcorp Genetics (formerly Invitae), Labcorp
Classification: Uncertain significance. Last evaluated: 2023-02-25. Review status: criteria provided, single submitter. Criteria: Invitae Variant Classification Sherloc (09022015). Collection method: clinical testing. Allele origin: germline.
Comment: This sequence change replaces histidine, which is basic and polar, with leucine, which is neutral and non-polar, at codon 874 of the COL7A1 protein (p.His874Leu). This variant is not present in population databases (gnomAD no frequency). This variant has not been reported in the literature in individuals affected with COL7A1-related conditions. Advanced modeling of protein sequence and biophysical properties (such as structural, functional, and spatial information, amino acid conservation, physicochemical variation, residue mobility, and thermodynamic stability) performed at Invitae indicates that this missense variant is not expected to disrupt COL7A1 protein function. In summary, the available evidence is currently insufficient to determine the role of this variant in disease. Therefore, it has been classified as a Variant of Uncertain Significance.

NM_000094.4(COL7A1):c.2621A>T (p.His874Leu)

Gene: COL7A1 (collagen type VII alpha 1 chain; minus strand). Cytogenetic location: 3p21.31.
Variant type: single nucleotide variant.
Coding change: c.2621A>T on transcript NM_000094.4 (MANE Select); coding-DNA position 2621, A replaced by T.
Protein change: p.His874Leu; replaces histidine 874 with leucine.
Molecular consequence: missense variant.
Genome position (GRCh38, 1-based): chr3:48,588,371, T>A on the plus strand (A>T on the coding strand, the complement: COL7A1 is on the minus strand). VCF-style: chr3-48588371-T-A. GRCh37 (hg19) VCF-style: chr3-48625804-T-A.
Other names: short protein forms H874L.
Identifiers: ClinVar variation 2840842 (VCV002840842.1), dbSNP rs2531252249, ClinGen allele CA352717840.